The following is an entry in ClinVar:

NM_015335.5(MED13L):c.3170C>G (p.Pro1057Arg)

Gene: MED13L (mediator complex subunit 13L; minus strand). Cytogenetic location: 12q24.21.
Variant type: single nucleotide variant.
Coding change: c.3170C>G on transcript NM_015335.5 (MANE Select); coding-DNA position 3170, C replaced by G.
Protein change: p.Pro1057Arg; replaces proline 1057 with arginine.
Molecular consequence: missense variant.
Genome position (GRCh38, 1-based): chr12:115,991,784, G>C on the plus strand (C>G on the coding strand, the complement: MED13L is on the minus strand). VCF-style: chr12-115991784-G-C. GRCh37 (hg19) VCF-style: chr12-116429589-G-C.
Other names: short protein forms P1057R.
Identifiers: ClinVar variation 3899830 (VCV003899830.2).

ClinVar aggregate classification (germline): Uncertain significance (1 of 4 stars; one submission).

Submission:

GeneDx
Classification: Uncertain significance. Last evaluated: 2026-07-21. Review status: criteria provided, single submitter. Criteria: GeneDx Variant Classification Process June 2021. Collection method: clinical testing. Allele origin: germline.
Comment: Not observed at significant frequency in large population cohorts (gnomAD); In silico analysis supports that this missense variant has a deleterious effect on protein structure/function; Has not been previously published as pathogenic or benign to our knowledge